The following is an entry in ClinVar:

ClinVar aggregate classification (germline): Uncertain significance (1 of 4 stars; one submission).

Conditions:
Amyotrophic lateral sclerosis type 4 (ALS4). Also called: AMYOTROPHIC LATERAL SCLEROSIS 4, JUVENILE; NEURONOPATHY, DISTAL HEREDITARY MOTOR, WITH PYRAMIDAL FEATURES. Identifiers: Orphanet 357043, MedGen C1865409, MONDO:0011223, OMIM 602433.
Spinocerebellar ataxia, autosomal recessive, with axonal neuropathy 2 (SCAN2). Also called: Ataxia with Oculomotor Apraxia; ATAXIA-OCULOMOTOR APRAXIA 2; Ataxia-ocular apraxia-2; Ataxia with Oculomotor Apraxia Type 2. Identifiers: Orphanet 64753, MedGen C1853761, MONDO:0018996, OMIM 606002.

Allele frequency attached by ClinVar (database versions not stated): gnomAD 0.00001; gnomAD exomes 0.00001.
gnomAD v4.1: 18 of 1,613,924 alleles (0.0011%); highest among the groups gnomAD compares: Non-Finnish European, 0.0014%; no homozygotes.

Submission:

Labcorp Genetics (formerly Invitae), Labcorp
Classification: Uncertain significance for Amyotrophic lateral sclerosis type 4; Spinocerebellar ataxia, autosomal recessive, with axonal neuropathy 2. Last evaluated: 2025-10-03. Review status: criteria provided, single submitter. Criteria: Invitae Variant Classification Sherloc (09022015). Collection method: clinical testing. Allele origin: germline.
Comment: This sequence change replaces glutamic acid, which is acidic and polar, with lysine, which is basic and polar, at codon 275 of the SETX protein (p.Glu275Lys). This variant is not present in population databases (gnomAD no frequency). This variant has not been reported in the literature in individuals affected with SETX-related conditions. ClinVar contains an entry for this variant (Variation ID: 1416158). Invitae Evidence Modeling of protein sequence and biophysical properties (such as structural, functional, and spatial information, amino acid conservation, physicochemical variation, residue mobility, and thermodynamic stability) indicates that this missense variant is not expected to disrupt SETX protein function with a negative predictive value of 95%. In summary, the available evidence is currently insufficient to determine the role of this variant in disease. Therefore, it has been classified as a Variant of Uncertain Significance.

NM_015046.7(SETX):c.823G>A (p.Glu275Lys)

Gene: SETX (senataxin; minus strand). Cytogenetic location: 9q34.13.
Variant type: single nucleotide variant.
Coding change: c.823G>A on transcript NM_015046.7 (MANE Select); coding-DNA position 823, G replaced by A.
Protein change: p.Glu275Lys; replaces glutamic acid 275 with lysine.
Molecular consequence: missense variant.
Genome position (GRCh38, 1-based): chr9:132,334,623, C>T on the plus strand (G>A on the coding strand, the complement: SETX is on the minus strand). VCF-style: chr9-132334623-C-T. GRCh37 (hg19) VCF-style: chr9-135210010-C-T.
Other names: c.823G>A, p.Glu275Lys (NM_001351527.2, NM_001351528.2); short protein forms E275K.
Identifiers: ClinVar variation 1416158 (VCV001416158.6), dbSNP rs901741485, ClinGen allele CA200818721.